The following is an entry in ClinVar:

ClinVar aggregate classification (germline): Uncertain significance. Review status: criteria provided, multiple submitters, no conflicts (2 of 4 stars). 2 submissions from 2 submitters: Uncertain significance (2). Last evaluated 2026-03-10.

Conditions:
PLXNA1-related disorder. Also called: PLXNA1-related condition.

Allele frequency attached by ClinVar (database versions not stated): gnomAD exomes below 0.00001.

Submissions (2):

PreventionGenetics, part of Exact Sciences
Classification: Uncertain significance for PLXNA1-related condition. Last evaluated: 2026-03-10. Review status: criteria provided, single submitter. Criteria: ACMG Guidelines, 2015. Collection method: clinical testing. Allele origin: germline.
Comment: The PLXNA1 c.2779G>A variant is predicted to result in the amino acid substitution p.Ala927Thr. To our knowledge, this variant has not been reported in the literature. This variant is reported in 0.0029% of alleles in individuals of Latino descent in gnomAD. At this time, the clinical significance of this variant is uncertain due to the absence of conclusive functional and genetic evidence.

Labcorp Genetics (formerly Invitae), Labcorp
Classification: Uncertain significance. Last evaluated: 2022-05-20. Review status: criteria provided, single submitter. Criteria: Invitae Variant Classification Sherloc (09022015). Collection method: clinical testing. Allele origin: germline.
Comment: This sequence change replaces alanine, which is neutral and non-polar, with threonine, which is neutral and polar, at codon 927 of the PLXNA1 protein (p.Ala927Thr). In summary, the available evidence is currently insufficient to determine the role of this variant in disease. Therefore, it has been classified as a Variant of Uncertain Significance. Algorithms developed to predict the effect of missense changes on protein structure and function are either unavailable or do not agree on the potential impact of this missense change (SIFT: "Tolerated"; PolyPhen-2: "Probably Damaging"; Align-GVGD: "Class C0"). This variant has not been reported in the literature in individuals affected with PLXNA1-related conditions. This variant is present in population databases (no rsID available, gnomAD 0.003%).

NM_032242.4(PLXNA1):c.2779G>A (p.Ala927Thr)

Gene: PLXNA1 (plexin A1; plus strand). Cytogenetic location: 3q21.3.
Variant type: single nucleotide variant.
Coding change: c.2779G>A on transcript NM_032242.4 (MANE Select); coding-DNA position 2779, G replaced by A.
Protein change: p.Ala927Thr; replaces alanine 927 with threonine.
Molecular consequence: missense variant.
Genome position (GRCh38, 1-based): chr3:127,014,733, G>A. VCF-style: chr3-127014733-G-A. GRCh37 (hg19) VCF-style: chr3-126733576-G-A.
Other names: c.2779G>A (NM_032242.3); short protein forms A927T.
Identifiers: ClinVar variation 1933151 (VCV001933151.6), dbSNP rs1440501923, ClinGen allele CA354387549.